The following is an entry in ClinVar:

NM_032444.4(SLX4):c.1912G>T (p.Glu638Ter)

Gene: SLX4 (SLX4 structure-specific endonuclease subunit; minus strand). Cytogenetic location: 16p13.3.
Variant type: single nucleotide variant.
Coding change: c.1912G>T on transcript NM_032444.4 (MANE Select); coding-DNA position 1912, G replaced by T.
Protein change: p.Glu638Ter; replaces glutamic acid 638 with a stop codon.
Molecular consequence: nonsense.
Genome position (GRCh38, 1-based): chr16:3,596,165, C>A on the plus strand (G>T on the coding strand, the complement: SLX4 is on the minus strand). VCF-style: chr16-3596165-C-A. GRCh37 (hg19) VCF-style: chr16-3646166-C-A.
Other names: short protein forms E638*.
Identifiers: ClinVar variation 1935301 (VCV001935301.5), dbSNP rs2548217715, ClinGen allele CA394526918.

ClinVar aggregate classification (germline): Pathogenic (1 of 4 stars; one submission).

Conditions:
Fanconi anemia (FA). Also called: Fanconi's anemia. Identifiers: Orphanet 84, MedGen C0015625, MeSH D005199, MONDO:0019391.

Submission:

Labcorp Genetics (formerly Invitae), Labcorp
Classification: Pathogenic for Fanconi anemia. Last evaluated: 2022-10-14. Review status: criteria provided, single submitter. Criteria: Invitae Variant Classification Sherloc (09022015). Collection method: clinical testing. Allele origin: germline.
Comment: This sequence change creates a premature translational stop signal (p.Glu638*) in the SLX4 gene. It is expected to result in an absent or disrupted protein product. Loss-of-function variants in SLX4 are known to be pathogenic (PMID: 21240277). This variant is not present in population databases (gnomAD no frequency). This variant has not been reported in the literature in individuals affected with SLX4-related conditions. For these reasons, this variant has been classified as Pathogenic.

Literature cited by the submitters: PubMed 21240277.